The following is an entry in ClinVar:

ClinVar aggregate classification (germline): Likely benign. Review status: criteria provided, multiple submitters, no conflicts (2 of 4 stars). 3 submissions from 3 submitters: Likely benign (3). Last evaluated 2026-04-01.

Conditions:
Schimke immuno-osseous dysplasia (SIOD). Also called: Schimke Immunoosseous Dysplasia. Identifiers: Orphanet 1830, MedGen C0877024, MONDO:0009458, OMIM 242900.

Allele frequency attached by ClinVar (database versions not stated): gnomAD exomes below 0.00001.
gnomAD v4.1: 2 of 1,614,142 alleles (0.00012%); highest among the groups gnomAD compares: Non-Finnish European, 0.000085%; no homozygotes.

Submissions (3):

CeGaT Center for Human Genetics Tuebingen
Classification: Likely benign. Last evaluated: 2026-04-01. Review status: criteria provided, single submitter. Criteria: CeGaT Center For Human Genetics Tuebingen Variant Classification Criteria Version 2. Collection method: clinical testing. Allele origin: germline. Affected: yes. Observed: 1 variant allele.
Comment: SMARCAL1: BP4, BP7

Labcorp Genetics (formerly Invitae), Labcorp
Classification: Likely benign for Schimke immuno-osseous dysplasia. Last evaluated: 2025-03-18. Review status: criteria provided, single submitter. Criteria: Invitae Variant Classification Sherloc (09022015). Collection method: clinical testing. Allele origin: germline.

Fulgent Genetics
Classification: Likely benign for Schimke immuno-osseous dysplasia. Last evaluated: 2021-10-14. Review status: criteria provided, single submitter. Criteria: ACMG Guidelines, 2015. Collection method: clinical testing. Allele origin: unknown.

NM_014140.4(SMARCAL1):c.2667C>T (p.Ser889=)

Gene: SMARCAL1 (SNF2 related chromatin remodeling annealing helicase 1; plus strand). Cytogenetic location: 2q35.
Variant type: single nucleotide variant.
Coding change: c.2667C>T on transcript NM_014140.4 (MANE Select); coding-DNA position 2667, C replaced by T.
Protein change: p.Ser889=; no amino-acid change (serine 889 retained).
Molecular consequence: synonymous variant.
Genome position (GRCh38, 1-based): chr2:216,482,779, C>T. VCF-style: chr2-216482779-C-T. GRCh37 (hg19) VCF-style: chr2-217347502-C-T.
Other names: c.2667C>T, p.Ser889= (NM_001127207.2).
Identifiers: ClinVar variation 1647995 (VCV001647995.11), dbSNP rs2106094842, ClinGen allele CA431403077.
Genomic context (GRCh38, chr2:216,482,779, plus strand): 5'-TTTTCTTTCTCTGATGAAGGACCCAAAGCAGCAGAAGATCTACGACCTATTCCAGAAGTC[C>T]TTTGAGAAAGAAGGAAGTGATATGGAGCTCCTGGAAGCAGCAGAGTCCTTTGACCCAGGA-3'
Protein context (NP_054859.2, residues 879-899): QQKIYDLFQK[Ser889=]FEKEGSDMEL